The following is an entry in ClinVar:

NM_078480.3(PUF60):c.389G>A (p.Arg130His)

Gene: PUF60 (poly(U) binding splicing factor 60; minus strand). Cytogenetic location: 8q24.3.
Variant type: single nucleotide variant.
Coding change: c.389G>A on transcript NM_078480.3 (MANE Select); coding-DNA position 389, G replaced by A.
Protein change: p.Arg130His; replaces arginine 130 with histidine.
Molecular consequence: missense variant.
Genome position (GRCh38, 1-based): chr8:143,818,494, C>T on the plus strand (G>A on the coding strand, the complement: PUF60 is on the minus strand). VCF-style: chr8-143818494-C-T. GRCh37 (hg19) VCF-style: chr8-144900664-C-T.
Other names: c.260G>A, p.Arg87His (NM_001136033.3); c.335G>A, p.Arg112His (NM_001271096.2); c.251G>A, p.Arg84His (NM_001271097.2); c.386G>A, p.Arg129His (NM_001271098.2); c.302G>A, p.Arg101His (NM_001271099.2); c.209G>A, p.Arg70His (NM_001271100.2); c.500G>A, p.Arg167His (NM_001362895.2, NM_001362896.2); c.449G>A, p.Arg150His (NM_001362897.2); and 1 more; short protein forms R130H, R101H, R129H, R87H, R150H, R70H, R112H, R113H.
Identifiers: ClinVar variation 488376 (VCV000488376.6), dbSNP rs1554643584, ClinGen allele CA372493739.
Genomic context (GRCh38, chr8:143,818,494, plus strand): 5'-GCAAAGGCCTGGCGGATGGTGTCCTCCCCCAGCTCATAGTAGATAGAGCCCACGTAGACG[C>T]GGCACATGATGGCCAGCGCCCGCTGCCGCTGAGCCGCCATCTGCAGCAGGACAGAGGGGA-3'
Protein context (NP_510965.1, residues 120-140): QRQRALAIMC[Arg130His]VYVGSIYYEL

ClinVar aggregate classification (germline): Pathogenic/Likely pathogenic. Review status: criteria provided, multiple submitters, no conflicts (2 of 4 stars). 4 submissions from 4 submitters: Pathogenic (1); Likely pathogenic (1). 2 of the submissions do not count toward it. Last evaluated 2021-12-23.

Conditions:
8q24.3 microdeletion syndrome. Also called: CHROMOSOME 8q24.3 DELETION SYNDROME; Verheij syndrome. Identifiers: Orphanet 508488, MedGen C3810023, MONDO:0014263, OMIM 615583.
CHARGE syndrome (CHARGE). Also called: Hittner Hirsch Kreh syndrome; CHARGE ASSOCIATION--COLOBOMA, HEART ANOMALY, CHOANAL ATRESIA, RETARDATION, GENITAL AND EAR ANOMALIES; Coloboma, heart anomaly, choanal atresia, retardation, genital and ear anomalies; CHARGE association; Hall-Hittner syndrome. Identifiers: Orphanet 138, MedGen C0265354, MONDO:0008965.

Submissions (4):

GeneDx
Classification: Pathogenic. Last evaluated: 2021-12-23. Review status: criteria provided, single submitter. Criteria: GeneDx Variant Classification Process June 2021. Collection method: clinical testing. Allele origin: germline. Affected: yes.
Comment: Not observed at significant frequency in large population cohorts (Lek et al., 2016); In silico analysis supports that this missense variant has a deleterious effect on protein structure/function; This variant is associated with the following publications: (PMID: 30160830, 29300383)

Rady Children's Institute for Genomic Medicine, Rady Children's Hospital San Diego
Classification: Likely pathogenic for VERHEIJ SYNDROME. Last evaluated: 2020-08-17. Review status: criteria provided, single submitter. Criteria: ACMG Guidelines, 2015. Collection method: clinical testing. Allele origin: germline. Affected: yes.
Comment: This variant has been previously reported as a de novo change in two patients with Verheij syndrome (VRJS, MIM: #615583) (PMID: 30160830, 29300383). It is absent from the gnomAD population database and thus is presumed to be rare. The c.389G>A (p.Arg130His) variant affects a highly conserved amino acid and is predicted by multiple in silico tools to have a deleterious effect on protein function. Based on the available evidence, the c.389G>A (p.Arg130His) variant is classified as Likely Pathogenic.

Sbielas Lab-Department of Human Genetics University of Michigan, University of Michigan Medical School
Classification: Pathogenic for 8q24.3 microdeletion syndrome. Last evaluated: 2017-10-27. Review status: no assertion criteria provided. Collection method: research. Allele origin: de novo. Affected: yes. Not counted in ClinVar's aggregate classification.

University of Washington Center for Mendelian Genomics, University of Washington
Classification: Likely pathogenic for CHARGE syndrome. Review status: no assertion criteria provided. Collection method: research. Allele origin: de novo. Affected: yes. Not counted in ClinVar's aggregate classification.

Literature cited by the submitters: PubMed 29300383 (cited by Sbielas Lab-Department of Human Genetics University of Michigan, University of Michigan Medical School and University of Washington Center for Mendelian Genomics, University of Washington).